The following is an entry in ClinVar:

ClinVar aggregate classification (germline): Likely benign (1 of 4 stars; one submission).

Allele frequency attached by ClinVar (database versions not stated): gnomAD exomes below 0.00001; ExAC 0.00002.

Submission:

CeGaT Center for Human Genetics Tuebingen
Classification: Likely benign. Last evaluated: 2022-08-01. Review status: criteria provided, single submitter. Criteria: CeGaT Center For Human Genetics Tuebingen Variant Classification Criteria Version 2. Collection method: clinical testing. Allele origin: germline. Affected: yes. Observed: 1 variant allele.
Comment: ADAMTS3: BP4, BP7

NM_014243.3(ADAMTS3):c.2085T>C (p.Ser695=)

Gene: ADAMTS3 (ADAM metallopeptidase with thrombospondin type 1 motif 3; minus strand). Cytogenetic location: 4q13.3.
Variant type: single nucleotide variant.
Coding change: c.2085T>C on transcript NM_014243.3 (MANE Select); coding-DNA position 2085, T replaced by C.
Protein change: p.Ser695=; no amino-acid change (serine 695 retained).
Molecular consequence: synonymous variant.
Genome position (GRCh38, 1-based): chr4:72,309,491, A>G on the plus strand (T>C on the coding strand, the complement: ADAMTS3 is on the minus strand). VCF-style: chr4-72309491-A-G. GRCh37 (hg19) VCF-style: chr4-73175208-A-G.
Identifiers: ClinVar variation 2654807 (VCV002654807.24), dbSNP rs758055493, ClinGen allele CA2956735.